The following is an entry in ClinVar:

ClinVar aggregate classification (germline): Uncertain significance (1 of 4 stars; one submission).

Conditions:
Hereditary cancer-predisposing syndrome. Also called: Neoplastic Syndromes, Hereditary; Tumor predisposition; Hereditary Cancer Syndrome; Hereditary neoplastic syndrome. Identifiers: Orphanet 140162, MedGen C0027672, MeSH D009386, MONDO:0015356.

Submission:

Ambry Genetics
Classification: Uncertain significance for Hereditary cancer-predisposing syndrome. Last evaluated: 2025-07-28. Review status: criteria provided, single submitter. Criteria: Ambry Variant Classification Scheme 2023. Collection method: clinical testing. Allele origin: germline.
Comment: The p.V365G variant (also known as c.1094T>G), located in coding exon 4 of the AXIN2 gene, results from a T to G substitution at nucleotide position 1094. The valine at codon 365 is replaced by glycine, an amino acid with dissimilar properties. This amino acid position is conserved. In addition, the in silico prediction for this alteration is inconclusive. Based on the available evidence, the clinical significance of this variant remains unclear.

NM_004655.4(AXIN2):c.1094T>G (p.Val365Gly)

Gene: AXIN2 (axin 2; minus strand). Cytogenetic location: 17q24.1.
Variant type: single nucleotide variant.
Coding change: c.1094T>G on transcript NM_004655.4 (MANE Select); coding-DNA position 1094, T replaced by G.
Protein change: p.Val365Gly; replaces valine 365 with glycine.
Molecular consequence: missense variant.
Genome position (GRCh38, 1-based): chr17:65,538,309, A>C on the plus strand (T>G on the coding strand, the complement: AXIN2 is on the minus strand). VCF-style: chr17-65538309-A-C. GRCh37 (hg19) VCF-style: chr17-63534427-A-C.
Other names: c.1094T>G, p.Val365Gly (NM_001363813.1); short protein forms V365G.
Identifiers: ClinVar variation 4188283 (VCV004188283.1).